The following is an entry in ClinVar:

ClinVar aggregate classification (germline): Uncertain significance. Review status: criteria provided, multiple submitters, no conflicts (2 of 4 stars). 3 submissions from 3 submitters: Uncertain significance (2). 1 of the submissions does not count toward it. Last evaluated 2025-11-22.

Conditions:
LDB3-related disorder. Also called: LDB3-related condition.
Cardiovascular phenotype. Identifiers: MedGen CN230736.
Myofibrillar myopathy 4. Also called: Zaspopathy (type). Identifiers: Orphanet 98912, MedGen C4721886, MONDO:0012277, OMIM 609452.

Allele frequency attached by ClinVar (database versions not stated): gnomAD exomes below 0.00001; gnomAD 0.00002.
gnomAD v4.1: 4 of 1,610,948 alleles (0.00025%); highest among the groups gnomAD compares: African/African-American, 0.0054%; no homozygotes.

Submissions (3):

Labcorp Genetics (formerly Invitae), Labcorp
Classification: Uncertain significance for Myofibrillar myopathy 4. Last evaluated: 2025-11-22. Review status: criteria provided, single submitter. Criteria: Invitae Variant Classification Sherloc (09022015). Collection method: clinical testing. Allele origin: germline.
Comment: The LDB3 gene has multiple clinically relevant transcripts. This variant occurs in alternate transcript NM_007078.3, and corresponds to NM_001080116.1:c.*17109C>A in the primary transcript. This sequence change replaces proline, which is neutral and non-polar, with histidine, which is basic and polar, at codon 463 of the LDB3 protein (p.Pro463His). This variant is not present in population databases (gnomAD no frequency). This variant has not been reported in the literature in individuals affected with LDB3-related conditions. Experimental studies and prediction algorithms are not available or were not evaluated, and the functional significance of this variant is currently unknown. In summary, the available evidence is currently insufficient to determine the role of this variant in disease. Therefore, it has been classified as a Variant of Uncertain Significance.

Ambry Genetics
Classification: Uncertain significance for Cardiovascular phenotype. Last evaluated: 2023-10-12. Review status: criteria provided, single submitter. Criteria: Ambry Variant Classification Scheme 2023. Collection method: clinical testing. Allele origin: germline.
Comment: The p.P463H variant (also known as c.1388C>A), located in coding exon 9 of the LDB3 gene, results from a C to A substitution at nucleotide position 1388. The proline at codon 463 is replaced by histidine, an amino acid with similar properties. This amino acid position is well conserved in available vertebrate species. In addition, this alteration is predicted to be tolerated by in silico analysis. Since supporting evidence is limited at this time, the clinical significance of this alteration remains unclear.

PreventionGenetics, part of Exact Sciences
Classification: Uncertain significance for LDB3-related condition. Last evaluated: 2023-10-28. Review status: no assertion criteria provided. Collection method: clinical testing. Allele origin: germline. Not counted in ClinVar's aggregate classification.
Comment: The LDB3 c.1058C>A variant is predicted to result in the amino acid substitution p.Pro353His. To our knowledge, this variant has not been reported in the literature or in a large population database, indicating this variant is rare. At this time, the clinical significance of this variant is uncertain due to the absence of conclusive functional and genetic evidence.

NM_007078.3(LDB3):c.1388C>A (p.Pro463His)

Gene: LDB3 (LIM domain binding 3; plus strand). Cytogenetic location: 10q23.2.
Variant type: single nucleotide variant.
Coding change: c.1388C>A on transcript NM_007078.3 (MANE Select); coding-DNA position 1388, C replaced by A.
Protein change: p.Pro463His; replaces proline 463 with histidine.
Molecular consequence: missense variant.
Genome position (GRCh38, 1-based): chr10:86,716,483, C>A. VCF-style: chr10-86716483-C-A. GRCh37 (hg19) VCF-style: chr10-88476240-C-A.
Other names: c.1058C>A, p.Pro353His (NM_001080114.2); c.1403C>A, p.Pro468His (NM_001171610.2); c.1199C>A, p.Pro400His (NM_001368064.1, NM_001368065.1); c.1247C>A, p.Pro416His (NM_001368066.1); c.1058C>A (NM_001080114.1); short protein forms P400H, P416H, P468H, P353H, P463H.
Identifiers: ClinVar variation 1771452 (VCV001771452.7), dbSNP rs962833066, ClinGen allele CA211205268.
Genomic context (GRCh38, chr10:86,716,483, plus strand): 5'-CTGCCTACACCCCCTCACCTGTCCCCACCTACACTCCATCCCCAGCACCAGCCTATACCC[C>A]CTCACCTGCCCCCAACTATAACCCTGCACCCTCGGTGGCCTACAGCGGGGGCCCTGCGGA-3'
Protein context (NP_009009.1, residues 453-473): YTPSPAPAYT[Pro463His]SPAPNYNPAP